The following is an entry in ClinVar:

ClinVar aggregate classification (germline): Uncertain significance. Review status: criteria provided, multiple submitters, no conflicts (2 of 4 stars). 2 submissions from 2 submitters: Uncertain significance (2). Last evaluated 2026-05-10.

Conditions:
MEGF8-related Carpenter syndrome. Also called: Carpenter syndrome 2. Identifiers: Orphanet 65759, MedGen C3554247, MONDO:0013998, OMIM 614976.
Inborn genetic diseases. Identifiers: MedGen C0950123, MeSH D030342.

gnomAD v4.1: 35 of 1,596,540 alleles (0.0022%); highest among the groups gnomAD compares: Admixed American, 0.0051%; no homozygotes.

Submissions (2):

Ambry Genetics
Classification: Uncertain significance for Inborn genetic diseases. Last evaluated: 2026-05-10. Review status: criteria provided, single submitter. Criteria: Ambry Variant Classification Scheme 2023. Collection method: clinical testing. Allele origin: germline.
Comment: The c.2072C>T (p.P691L) alteration is located in exon 12 (coding exon 12) of the MEGF8 gene. This alteration results from a C to T substitution at nucleotide position 2072, causing the proline (P) at amino acid position 691 to be replaced by a leucine (L). Based on data from gnomAD, the T allele has an overall frequency of 0.002% (5/268134) total alleles studied. The highest observed frequency was 0.003% (4/122314) of European (non-Finnish) alleles. Based on insufficient or conflicting evidence, the clinical significance of this alteration remains unclear.

Labcorp Genetics (formerly Invitae), Labcorp
Classification: Uncertain significance for MEGF8-related Carpenter syndrome. Last evaluated: 2026-01-01. Review status: criteria provided, single submitter. Criteria: Invitae Variant Classification Sherloc (09022015). Collection method: clinical testing. Allele origin: germline.
Comment: This sequence change replaces proline, which is neutral and non-polar, with leucine, which is neutral and non-polar, at codon 691 of the MEGF8 protein (p.Pro691Leu). This variant is present in population databases (rs774171456, gnomAD 0.003%). This variant has not been reported in the literature in individuals affected with MEGF8-related conditions. An algorithm developed to predict the effect of missense changes on protein structure and function (PolyPhen-2) suggests that this variant is likely to be tolerated. In summary, the available evidence is currently insufficient to determine the role of this variant in disease. Therefore, it has been classified as a Variant of Uncertain Significance.

NM_001271938.2(MEGF8):c.2072C>T (p.Pro691Leu)

Gene: MEGF8 (multiple EGF like domains 8; plus strand). Cytogenetic location: 19q13.2.
Variant type: single nucleotide variant.
Coding change: c.2072C>T on transcript NM_001271938.2 (MANE Select); coding-DNA position 2072, C replaced by T.
Protein change: p.Pro691Leu; replaces proline 691 with leucine.
Molecular consequence: missense variant.
Genome position (GRCh38, 1-based): chr19:42,344,808, C>T. VCF-style: chr19-42344808-C-T. GRCh37 (hg19) VCF-style: chr19-42848960-C-T.
Other names: c.2072C>T, p.Pro691Leu (NM_001410.3); c.2072C>T (NM_001410.2); short protein forms P691L.
Identifiers: ClinVar variation 4737788 (VCV004737788.2).